The following is an entry in ClinVar:

ClinVar aggregate classification (germline): Pathogenic (3 of 4 stars; one submission).

Conditions:
ATM-related cancer predisposition. Also called: ATM-related cancer susceptibility. Identifiers: MedGen CN377759, MONDO:0700270.

Submission:

ClinGen Hereditary Breast, Ovarian and Pancreatic Cancer Variant Curation Expert Panel, ClinGen
Classification: Pathogenic for ATM-related cancer predisposition. Last evaluated: 2025-09-21. Review status: reviewed by expert panel. Criteria: ClinGen HBOP ACMG Specifications ATM V1.3.0. Collection method: curation. Allele origin: germline. Inheritance: Autosomal dominant inheritance.
Comment: The c.7840_7841insGA (p.Pro2614Argfs*18) variant in ATM is a frameshift variant predicted to cause a premature stop codon in biologically-relevant-exon leading to nonsense mediated decay in a gene in which loss-of-function is an established disease mechanism. This alteration results in a termination codon upstream of the most C-terminus pathogenic alteration (ATM p.Arg3047*), as classified by the HBOP VCEP, and is expected to be more deleterious. This variant has been detected in at least one individual with Ataxia-Telangiectasia (PMID: 26896183). This variant is absent from gnomAD v4.1.0. In summary, this variant meets the criteria to be classified as pathogenic for autosomal dominant ATM-related cancer predisposition and autosomal recessive Ataxia-Telangiectasia based on the ACMG/AMP criteria applied as specified by the HBOP VCEP. (PVS1, PM5_Supporting, PM3, PM2_Supporting)

NM_000051.4(ATM):c.7840_7841insGA (p.Pro2614fs)

Genes: ATM (ATM serine/threonine kinase; plus strand), C11orf65 (chromosome 11 open reading frame 65; minus strand). Cytogenetic location: 11q22.3.
Variant type: Insertion.
Coding change: c.7840_7841insGA on transcript NM_000051.4 (MANE Select); coding-DNA positions 7840 to 7841, GA inserted.
Protein change: p.Pro2614fs; shifts the reading frame from proline 2614.
Molecular consequence: frameshift variant. On other transcripts: intron variant (2).
Genome position: GRCh38 VCF-style: chr11-108332813-C-CGA. GRCh37 (hg19) VCF-style: chr11-108203540-C-CGA.
Other names: NR_147053.3:n.2373-1247_2373-1246insTC; c.7840_7841insGA, p.Pro2614fs (NM_001351834.2); c.641-23743_641-23742insTC (NM_001330368.2); c.*38+2406_*38+2407insTC (NM_001351110.2); short protein forms P2614fs.
Identifiers: ClinVar variation 4281695 (VCV004281695.2).